The following is an entry in ClinVar:

NM_022436.3(ABCG5):c.962G>A (p.Arg321Lys)

Genes: ABCG5 (ATP binding cassette subfamily G member 5; minus strand), DYNC2LI1 (dynein cytoplasmic 2 light intermediate chain 1; plus strand). Cytogenetic location: 2p21.
Variant type: single nucleotide variant.
Coding change: c.962G>A on transcript NM_022436.3 (MANE Select); coding-DNA position 962, G replaced by A.
Protein change: p.Arg321Lys; replaces arginine 321 with lysine.
Molecular consequence: missense variant. On other transcripts: intron variant (2).
Genome position (GRCh38, 1-based): chr2:43,824,375, C>T on the plus strand (G>A on the coding strand, the complement: ABCG5 is on the minus strand). VCF-style: chr2-43824375-C-T. GRCh37 (hg19) VCF-style: chr2-44051514-C-T.
Other names: c.*16-3011C>T (NM_001348913.2, NM_001348912.2); short protein forms R321K.
Identifiers: ClinVar variation 1445633 (VCV001445633.7), dbSNP rs1348348567, ClinGen allele CA346664808.

ClinVar aggregate classification (germline): Uncertain significance. Review status: criteria provided, multiple submitters, no conflicts (2 of 4 stars). 2 submissions from 2 submitters: Uncertain significance (2). Last evaluated 2025-06-15.

Conditions:
Cardiovascular phenotype. Identifiers: MedGen CN230736.
Sitosterolemia (STSL). Also called: PHYTOSTEROLEMIA. Identifiers: Orphanet 2882, MedGen C0342907, MONDO:0008863.

Allele frequency attached by ClinVar (database versions not stated): gnomAD exomes below 0.00001.
gnomAD v4.1: 4 of 1,614,182 alleles (0.00025%); highest among the groups gnomAD compares: Non-Finnish European, 0.00034%; no homozygotes.

Submissions (2):

Ambry Genetics
Classification: Uncertain significance for Cardiovascular phenotype. Last evaluated: 2025-06-15. Review status: criteria provided, single submitter. Criteria: Ambry Variant Classification Scheme 2023. Collection method: clinical testing. Allele origin: germline.
Comment: The p.R321K variant (also known as c.962G>A), located in coding exon 8 of the ABCG5 gene, results from a G to A substitution at nucleotide position 962. The arginine at codon 321 is replaced by lysine, an amino acid with highly similar properties. This amino acid position is conserved. In addition, the in silico prediction for this alteration is inconclusive. Based on the available evidence, the clinical significance of this variant remains unclear.

Labcorp Genetics (formerly Invitae), Labcorp
Classification: Uncertain significance for Sitosterolemia. Last evaluated: 2021-08-06. Review status: criteria provided, single submitter. Criteria: Invitae Variant Classification Sherloc (09022015). Collection method: clinical testing. Allele origin: germline.
Comment: In summary, the available evidence is currently insufficient to determine the role of this variant in disease. Therefore, it has been classified as a Variant of Uncertain Significance. Algorithms developed to predict the effect of missense changes on protein structure and function (SIFT, PolyPhen-2, Align-GVGD) all suggest that this variant is likely to be disruptive. This variant has not been reported in the literature in individuals affected with ABCG5-related conditions. This variant is not present in population databases (ExAC no frequency). This sequence change replaces arginine with lysine at codon 321 of the ABCG5 protein (p.Arg321Lys). The arginine residue is highly conserved and there is a small physicochemical difference between arginine and lysine.